The following is an entry in ClinVar:

NM_000088.4(COL1A1):c.3262-2A>G

Gene: COL1A1 (collagen type I alpha 1 chain; minus strand). Cytogenetic location: 17q21.33.
Variant type: single nucleotide variant.
Coding change: c.3262-2A>G on transcript NM_000088.4 (MANE Select); the canonical splice acceptor site of the intron before coding-DNA position 3262, A replaced by G.
Molecular consequence: splice acceptor variant.
Genome position (GRCh38, 1-based): chr17:50,187,985, T>C on the plus strand (A>G on the coding strand, the complement: COL1A1 is on the minus strand). VCF-style: chr17-50187985-T-C. GRCh37 (hg19) VCF-style: chr17-48265346-T-C.
Other names: c.3262-2A>G (NM_000088.3).
Identifiers: ClinVar variation 3773766 (VCV003773766.3).

ClinVar aggregate classification (germline): Pathogenic. Review status: criteria provided, multiple submitters, no conflicts (2 of 4 stars). 3 submissions from 3 submitters: Pathogenic (3). Last evaluated 2024-12-01.

Conditions:
COL1A1-related disorder. Also called: COL1A1- related disease; COL1A1-related condition.
Osteogenesis imperfecta (OI). Identifiers: Orphanet 666, MedGen C0029434, MeSH D010013, MONDO:0019019.

Submissions (3):

Revvity Omics, Revvity
Classification: Pathogenic. Last evaluated: 2024-12-01. Review status: criteria provided, single submitter. Criteria: ACMG Guidelines, 2015. Collection method: clinical testing. Allele origin: germline.

Molecular Genetics, Royal Melbourne Hospital
Classification: Pathogenic for Osteogenesis imperfecta. Last evaluated: 2024-09-08. Review status: criteria provided, single submitter. Criteria: ACMG Guidelines, 2015. Collection method: clinical testing. Allele origin: germline. Inheritance: Autosomal dominant inheritance. Affected: yes.
Comment: This sequence change in COL1A1 occurs within the canonical splice acceptor site of intron 44. It is predicted to cause cryptic acceptor site activation resulting in a frameshift leading to nonsense-mediated decay or skipping of biologically relevant exon 45 resulting in an in-frame deletion (removes amino acids 1088-1123) that is expected to escape nonsense-mediated decay but lead to loss of part of the collagen triple helix. RNA studies have not been conducted to confirm this prediction. Loss-of-function is an established disease mechanism for this gene (PMID: 20301472). This variant is absent from the population database gnomAD v4.1.0 This variant has been reported in at least one proband with a clinical diagnosis of osteogenesis imperfecta (PMID: 31363794). Based on the classification scheme RMH Modified ACMG/AMP Guidelines v1.7.0, this variant is classified as PATHOGENIC. Following criteria are met: PM2, PS4_Supporting, PVS1

Blueprint Genetics
Classification: Pathogenic for COL1A1-related disorders. Last evaluated: 2021-07-26. Review status: criteria provided, single submitter. Criteria: ACMG Guidelines, 2015. Collection method: clinical testing. Allele origin: germline. Affected: yes. Observed: 1 variant allele.

Literature cited by the submitters: PubMed 20301472 (cited by Molecular Genetics, Royal Melbourne Hospital); PubMed 31363794 (cited by Molecular Genetics, Royal Melbourne Hospital).